The following is an entry in ClinVar:

ClinVar aggregate classification (germline): Uncertain significance (1 of 4 stars; one submission).

Conditions:
Immunodeficiency. Identifiers: MedGen C0021051, MONDO:0021094, HP:0002721.

Submission:

Labcorp Genetics (formerly Invitae), Labcorp
Classification: Uncertain significance for Immunodeficiency. Last evaluated: 2024-06-20. Review status: criteria provided, single submitter. Criteria: Invitae Variant Classification Sherloc (09022015). Collection method: clinical testing. Allele origin: germline.
Comment: This sequence change replaces aspartic acid, which is acidic and polar, with alanine, which is neutral and non-polar, at codon 753 of the NFAT5 protein (p.Asp753Ala). This variant is not present in population databases (gnomAD no frequency). This variant has not been reported in the literature in individuals affected with NFAT5-related conditions. ClinVar contains an entry for this variant (Variation ID: 1482683). An algorithm developed to predict the effect of missense changes on protein structure and function (PolyPhen-2) suggests that this variant is likely to be tolerated. In summary, the available evidence is currently insufficient to determine the role of this variant in disease. Therefore, it has been classified as a Variant of Uncertain Significance.

NM_138713.4(NFAT5):c.2540A>C (p.Asp847Ala)

Gene: NFAT5 (nuclear factor of activated T cells 5; plus strand). Cytogenetic location: 16q22.1.
Variant type: single nucleotide variant.
Coding change: c.2540A>C on transcript NM_138713.4 (MANE Select); coding-DNA position 2540, A replaced by C.
Protein change: p.Asp847Ala; replaces aspartic acid 847 with alanine.
Molecular consequence: missense variant.
Genome position (GRCh38, 1-based): chr16:69,692,365, A>C. VCF-style: chr16-69692365-A-C. GRCh37 (hg19) VCF-style: chr16-69726268-A-C.
Other names: c.2537A>C, p.Asp846Ala (NM_001113178.3); c.1865A>C, p.Asp622Ala (NM_001367709.1); c.2486A>C, p.Asp829Ala (NM_006599.4); c.2258A>C, p.Asp753Ala (NM_138714.4, NM_173214.3, NM_173215.3); short protein forms D829A, D846A, D847A, D622A, D753A.
Identifiers: ClinVar variation 1482683 (VCV001482683.8), dbSNP rs2151719465, ClinGen allele CA396510025.